The following is an entry in ClinVar:

ClinVar aggregate classification (germline): Likely benign (1 of 4 stars; one submission).

Allele frequency attached by ClinVar (database versions not stated): TOPMed 0.00003.
gnomAD v4.1: 29 of 1,551,098 alleles (0.0019%); highest among the groups gnomAD compares: South Asian, 0.011%; no homozygotes.

Submission:

GeneDx
Classification: Likely benign. Last evaluated: 2017-04-25. Review status: criteria provided, single submitter. Criteria: GeneDx Variant Classification (06012015). Collection method: clinical testing. Allele origin: germline. Affected: yes.
Comment: This variant is considered likely benign or benign based on one or more of the following criteria: it is a conservative change, it occurs at a poorly conserved position in the protein, it is predicted to be benign by multiple in silico algorithms, and/or has population frequency not consistent with disease.

NM_052859.4(RFT1):c.-16G>A

Genes: RFT1 (RFT1 homolog; minus strand), LOC129936883 (ATAC-STARR-seq lymphoblastoid active region 19954; plus strand). Cytogenetic location: 3p21.1.
Variant type: single nucleotide variant.
Coding change: c.-16G>A on transcript NM_052859.4 (MANE Select); 16 bases upstream of the start codon, G replaced by A.
Molecular consequence: 5 prime UTR variant.
Genome position (GRCh38, 1-based): chr3:53,130,416, C>T on the plus strand (G>A on the coding strand, the complement: RFT1 is on the minus strand). VCF-style: chr3-53130416-C-T. GRCh37 (hg19) VCF-style: chr3-53164432-C-T.
Identifiers: ClinVar variation 508827 (VCV000508827.1), dbSNP rs766018631, ClinGen allele CA2451595.